The following is an entry in ClinVar:

ClinVar aggregate classification (germline): Uncertain significance (1 of 4 stars; one submission).

Submission:

Labcorp Genetics (formerly Invitae), Labcorp
Classification: Uncertain significance. Last evaluated: 2024-06-01. Review status: criteria provided, single submitter. Criteria: Invitae Variant Classification Sherloc (09022015). Collection method: clinical testing. Allele origin: germline.
Comment: This sequence change replaces arginine, which is basic and polar, with leucine, which is neutral and non-polar, at codon 779 of the HK1 protein (p.Arg779Leu). This variant is not present in population databases (gnomAD no frequency). This variant has not been reported in the literature in individuals affected with HK1-related conditions. Advanced modeling of protein sequence and biophysical properties (such as structural, functional, and spatial information, amino acid conservation, physicochemical variation, residue mobility, and thermodynamic stability) performed at Invitae indicates that this missense variant is not expected to disrupt HK1 protein function with a negative predictive value of 80%. In summary, the available evidence is currently insufficient to determine the role of this variant in disease. Therefore, it has been classified as a Variant of Uncertain Significance.

NM_000188.3(HK1):c.2336G>T (p.Arg779Leu)

Gene: HK1 (hexokinase 1; plus strand). Cytogenetic location: 10q22.1.
Variant type: single nucleotide variant.
Coding change: c.2336G>T on transcript NM_000188.3 (MANE Select); coding-DNA position 2336, G replaced by T.
Protein change: p.Arg779Leu; replaces arginine 779 with leucine.
Molecular consequence: missense variant.
Genome position (GRCh38, 1-based): chr10:69,395,066, G>T. VCF-style: chr10-69395066-G-T. GRCh37 (hg19) VCF-style: chr10-71154822-G-T.
Other names: c.2348G>T, p.Arg783Leu (NM_001322364.2, NM_001358263.1, NM_033497.3 and 1 more transcripts); c.2441G>T, p.Arg814Leu (NM_001322365.2); c.2252G>T, p.Arg751Leu (NM_001322366.1); c.2240G>T, p.Arg747Leu (NM_001322367.1); c.2333G>T, p.Arg778Leu (NM_033496.3); c.2300G>T, p.Arg767Leu (NM_033500.2); short protein forms R747L, R778L, R779L, R783L, R814L, R751L, R767L.
Identifiers: ClinVar variation 3655152 (VCV003655152.2).